The following is an entry in ClinVar:

ClinVar aggregate classification (germline): Uncertain significance (1 of 4 stars; one submission).

Conditions:
Autosomal dominant limb-girdle muscular dystrophy type 1F (LGMDD2). Also called: Limb-girdle muscular dystrophy, type 1F; MUSCULAR DYSTROPHY, LIMB-GIRDLE, AUTOSOMAL DOMINANT 2. Identifiers: Orphanet 55595, MedGen C1842062, MONDO:0012034, OMIM 608423.

Submission:

Labcorp Genetics (formerly Invitae), Labcorp
Classification: Uncertain significance for Autosomal dominant limb-girdle muscular dystrophy type 1F. Last evaluated: 2018-12-29. Review status: criteria provided, single submitter. Criteria: Invitae Variant Classification Sherloc (09022015). Collection method: clinical testing. Allele origin: germline.
Comment: In summary, the available evidence is currently insufficient to determine the role of this variant in disease. Therefore, it has been classified as a Variant of Uncertain Significance. Algorithms developed to predict the effect of missense changes on protein structure and function are either unavailable or do not agree on the potential impact of this missense change (SIFT: "Tolerated"; PolyPhen-2: "Possibly Damaging"; Align-GVGD: "Class C0"). This variant has not been reported in the literature in individuals with TNPO3-related disease. This variant is not present in population databases (ExAC no frequency). This sequence change replaces leucine with valine at codon 406 of the TNPO3 protein (p.Leu406Val). The leucine residue is moderately conserved and there is a small physicochemical difference between leucine and valine.

NM_012470.4(TNPO3):c.1216C>G (p.Leu406Val)

Gene: TNPO3 (transportin 3; minus strand). Cytogenetic location: 7q32.1.
Variant type: single nucleotide variant.
Coding change: c.1216C>G on transcript NM_012470.4 (MANE Select); coding-DNA position 1216, C replaced by G.
Protein change: p.Leu406Val; replaces leucine 406 with valine.
Molecular consequence: missense variant. On other transcripts: non-coding transcript variant (18), intron variant (1).
Genome position (GRCh38, 1-based): chr7:128,993,857, G>C on the plus strand (C>G on the coding strand, the complement: TNPO3 is on the minus strand). VCF-style: chr7-128993857-G-C. GRCh37 (hg19) VCF-style: chr7-128633911-G-C.
Other names: c.1216C>G, p.Leu406Val (NM_001191028.3, NM_001382216.1, NM_001382218.1 and 2 more transcripts); c.1297C>G, p.Leu433Val (NM_001382217.1); c.1072C>G, p.Leu358Val (NM_001382221.1); c.1069C>G, p.Leu357Val (NM_001382222.1); c.1159-1767C>G (NM_001382219.1); short protein forms L406V, L357V, L358V, L433V.
Identifiers: ClinVar variation 648298 (VCV000648298.9), dbSNP rs1585340363, ClinGen allele CA369232476.